The following is an entry in ClinVar:

NM_000294.3(PHKG2):c.393-2A>G

Gene: PHKG2 (phosphorylase kinase catalytic subunit gamma 2; plus strand). Cytogenetic location: 16p11.2.
Variant type: single nucleotide variant.
Coding change: c.393-2A>G on transcript NM_000294.3 (MANE Select); the canonical splice acceptor site of the intron before coding-DNA position 393, A replaced by G.
Molecular consequence: splice acceptor variant.
Genome position (GRCh38, 1-based): chr16:30,753,392, A>G. VCF-style: chr16-30753392-A-G. GRCh37 (hg19) VCF-style: chr16-30764713-A-G.
Other names: c.393-2A>G (NM_001172432.2).
Identifiers: ClinVar variation 2714859 (VCV002714859.3), dbSNP rs1452140139, ClinGen allele CA395656069.

ClinVar aggregate classification (germline): Likely pathogenic (1 of 4 stars; one submission).

Conditions:
Glycogen storage disease IXc (GSD9C). Also called: GSD IXc. Identifiers: Orphanet 264580, MedGen C2751643, MONDO:0013091, OMIM 613027.

Allele frequency attached by ClinVar (database versions not stated): gnomAD exomes below 0.00001; TOPMed below 0.00001; gnomAD 0.00001.

Submission:

Labcorp Genetics (formerly Invitae), Labcorp
Classification: Likely pathogenic for Glycogen storage disease IXc. Last evaluated: 2023-01-17. Review status: criteria provided, single submitter. Criteria: Invitae Variant Classification Sherloc (09022015). Collection method: clinical testing. Allele origin: germline.
Comment: This variant has not been reported in the literature in individuals affected with PHKG2-related conditions. This sequence change affects an acceptor splice site in intron 5 of the PHKG2 gene. It is expected to disrupt RNA splicing. Variants that disrupt the donor or acceptor splice site typically lead to a loss of protein function (PMID: 16199547), and loss-of-function variants in PHKG2 are known to be pathogenic (PMID: 8896567, 17689125, 21646031). This variant is not present in population databases (gnomAD no frequency). Algorithms developed to predict the effect of sequence changes on RNA splicing suggest that this variant may disrupt the consensus splice site. In summary, the currently available evidence indicates that the variant is pathogenic, but additional data are needed to prove that conclusively. Therefore, this variant has been classified as Likely Pathogenic.

Literature cited by the submitters: PubMed 16199547; PubMed 8896567; PubMed 17689125; PubMed 21646031.